The following is an entry in ClinVar:

ClinVar aggregate classification (germline): Pathogenic/Likely pathogenic. Review status: criteria provided, multiple submitters, no conflicts (2 of 4 stars). 8 submissions from 8 submitters: Pathogenic (3); Likely pathogenic (3). 2 of the submissions do not count toward it. Last evaluated 2025-03-29.

Conditions:
Jeune thoracic dystrophy. Also called: Short-rib thoracic dysplasia; Jeune syndrome; Infantile thoracic dystrophy; Thoracic pelvic phalangeal dystrophy; Jeune's syndrome; Chondroectodermal dysplasia-like syndrome. Identifiers: Orphanet 474, MedGen C0265275, MONDO:0018770.
DYNC2H1-related disorder. Also called: DYNC2H1-related disorders; DYNC2H1-related condition. Identifiers: MedGen CN378770.
Asphyxiating thoracic dystrophy 3. Also called: SHORT-RIB THORACIC DYSPLASIA 3 WITH OR WITHOUT POLYDACTYLY; POLYDACTYLY WITH NEONATAL CHONDRODYSTROPHY, TYPE I; SHORT-RIB THORACIC DYSPLASIA 3/6 WITH POLYDACTYLY, DIGENIC; Saldino-Noonan Syndrome; Short rib polydactyly syndrome 2B. Identifiers: Orphanet 474, Orphanet 93269, Orphanet 93270, Orphanet 93271, MedGen C0036069, MONDO:0013127, OMIM 613091.

Allele frequency attached by ClinVar (database versions not stated): TOPMed below 0.00001; gnomAD exomes below 0.00001.

Submissions (8):

Myriad Genetics, Inc.
Classification: Pathogenic for Asphyxiating thoracic dystrophy 3. Last evaluated: 2025-03-29. Review status: criteria provided, single submitter. Criteria: Myriad Autosomal Dominant, Autosomal Recessive and X-Linked Classification Criteria (2023). Collection method: clinical testing. Allele origin: unknown.
Comment: NM_001377.2(DYNC2H1):c.2040dupT(A681Cfs*3) is expected to be pathogenic in the context of DYNC2H1-related disorders. This variant is predicted to lead to an abnormal or absent protein product due to the creation of a premature termination codon in DYNC2H1, a gene where loss-of-function variants are known to be pathogenic. Please note: this variant was assessed in the context of healthy population screening.

GeneDx
Classification: Likely pathogenic. Last evaluated: 2024-09-06. Review status: criteria provided, single submitter. Criteria: GeneDx Variant Classification Process June 2021. Collection method: clinical testing. Allele origin: germline. Affected: yes.
Comment: Identified in a proband with prenatal ultrasound findings of asphyxiating thoracic dystrophy; a second variant in DYNC2H1 was not identified (PMID: 29068549); Frameshift variant predicted to result in protein truncation or nonsense mediated decay in a gene for which loss of function is a known mechanism of disease; Not observed at significant frequency in large population cohorts (gnomAD); This variant is associated with the following publications: (PMID: 29068549)

Labcorp Genetics (formerly Invitae), Labcorp
Classification: Pathogenic for Jeune thoracic dystrophy. Last evaluated: 2024-01-12. Review status: criteria provided, single submitter. Criteria: Invitae Variant Classification Sherloc (09022015). Collection method: clinical testing. Allele origin: germline.
Comment: This sequence change creates a premature translational stop signal (p.Ala681Cysfs*3) in the DYNC2H1 gene. It is expected to result in an absent or disrupted protein product. Loss-of-function variants in DYNC2H1 are known to be pathogenic (PMID: 23339108, 32753734, 33755199). This variant is not present in population databases (gnomAD no frequency). This premature translational stop signal has been observed in individual(s) with asphyxiating thoracic dystrophy (PMID: 29068549). ClinVar contains an entry for this variant (Variation ID: 446679). Algorithms developed to predict the effect of sequence changes on RNA splicing suggest that this variant may disrupt the consensus splice site. For these reasons, this variant has been classified as Pathogenic.

Neuberg Centre For Genomic Medicine, NCGM
Classification: Likely pathogenic for Asphyxiating thoracic dystrophy 3. Last evaluated: 2023-06-22. Review status: criteria provided, single submitter. Criteria: ACMG Guidelines, 2015. Collection method: clinical testing. Allele origin: germline. Inheritance: Autosomal recessive inheritance. Affected: yes.
Comment: The observed frameshift variant c.2040dup(p.Ala681CysfsTer3) in DYNC2H1 gene has not been reported previously as a pathogenic variant nor as a benign variant, to our knowledge. This variant is absent in gnomAD Exomes. It has been submitted to ClinVar as Pathogenic/ Likely Pathogenic. However, no details are available for independent assessment. This variant causes a frameshift starting with codon Alanine 681, changes this amino acid to Cysteine residue, and creates a premature Stop codon at position 3 of the new reading frame, denoted p.Ala681CysfsTer3. This variant is predicted to cause loss of normal protein function through protein truncation. Loss of function variants have been previously reported to be disease causing (Vig A, et al., 2020). For these reasons, this variant has been classified as Likely Pathogenic.

Blueprint Genetics
Classification: Likely pathogenic for DYNC2H1-related disorders. Last evaluated: 2022-03-04. Review status: criteria provided, single submitter. Criteria: ACMG Guidelines, 2015. Collection method: clinical testing. Allele origin: germline. Affected: yes. Observed: 4 variant alleles.

Eurofins Ntd Llc (ga)
Classification: Pathogenic. Last evaluated: 2016-10-27. Review status: criteria provided, single submitter. Criteria: EGL Classification Definitions 2015. Collection method: clinical testing. Allele origin: germline. Observed: 1 variant allele, 1 heterozygote.

Dan Cohn Lab, University Of California Los Angeles
Classification: Likely pathogenic for Asphyxiating thoracic dystrophy. Last evaluated: 2017-06-01. Review status: no assertion criteria provided. Collection method: research. Allele origin: unknown. Affected: yes. Not counted in ClinVar's aggregate classification.

University of Washington Center for Mendelian Genomics, University of Washington
Classification: Likely pathogenic for asphyxiating thoracic dystrophy. Review status: no assertion criteria provided. Collection method: research. Allele origin: inherited. Affected: yes. Not counted in ClinVar's aggregate classification.

Literature cited by the submitters: PubMed 23339108 (cited by Labcorp Genetics (formerly Invitae), Labcorp); PubMed 32753734 (cited by Labcorp Genetics (formerly Invitae), Labcorp); PubMed 33755199 (cited by Labcorp Genetics (formerly Invitae), Labcorp); PubMed 29068549 (cited by 3 submitters).

NM_001377.3(DYNC2H1):c.2040dup (p.Ala681fs)

Gene: DYNC2H1 (dynein cytoplasmic 2 heavy chain 1; plus strand). Cytogenetic location: 11q22.3.
Variant type: Duplication.
Coding change: c.2040dup on transcript NM_001377.3 (MANE Select); coding-DNA position 2040, one base duplicated (T; older notation c.2040dupT).
Protein change: p.Ala681fs; shifts the reading frame from alanine 681.
Molecular consequence: frameshift variant.
Genome position (GRCh38, 1-based): chr11:103,133,641, T duplicated. VCF-style (leftmost placement, unchanged base first): chr11-103133640-A-AT. GRCh37 (hg19) VCF-style: chr11-103004369-A-AT.
Other names: c.2040dup, p.Ala681fs (NM_001080463.2); short protein forms A681fs.
Identifiers: ClinVar variation 446679 (VCV000446679.14), dbSNP rs1555042801, ClinGen allele CA476608971.